The following is an entry in ClinVar:

ClinVar aggregate classification (germline): Likely benign (1 of 4 stars; one submission).

Allele frequency attached by ClinVar (database versions not stated): 1000 Genomes Project 0.00699; gnomAD 0.00785 and 0.00815; TOPMed 0.00860; 1000 Genomes Project 30x 0.00890.
gnomAD v4.1: 1,185 of 152,278 alleles (0.78%); highest among the groups gnomAD compares: African/African-American, 2%; 9 homozygotes.

Submission:

GeneDx
Classification: Likely benign. Last evaluated: 2018-06-16. Review status: criteria provided, single submitter. Criteria: GeneDx Variant Classification (06012015). Collection method: clinical testing. Allele origin: germline. Affected: yes.
Comment: This variant is considered likely benign or benign based on one or more of the following criteria: it is a conservative change, it occurs at a poorly conserved position in the protein, it is predicted to be benign by multiple in silico algorithms, and/or has population frequency not consistent with disease.

NM_153240.5(NPHP3):c.1525-211A>G

Genes: NPHP3 (nephrocystin 3; minus strand), NPHP3-ACAD11 (NPHP3-ACAD11 readthrough (NMD candidate); minus strand). Cytogenetic location: 3q22.1.
Variant type: single nucleotide variant.
Coding change: c.1525-211A>G on transcript NM_153240.5 (MANE Select); 211 bases into the intron before coding-DNA position 1525, A replaced by G.
Molecular consequence: intron variant.
Genome position (GRCh38, 1-based): chr3:132,701,744, T>C on the plus strand (A>G on the coding strand, the complement: NPHP3 is on the minus strand). VCF-style: chr3-132701744-T-C. GRCh37 (hg19) VCF-style: chr3-132420588-T-C.
Identifiers: ClinVar variation 680329 (VCV000680329.1), dbSNP rs11925789, ClinGen allele CA83593711.
Genomic context (GRCh38, chr3:132,701,744, plus strand): 5'-ACTTTTATGGCTGGCAAAAACATGACTGAACTAGTAAACTAAGAATGGGCCTCAAATGGC[T>C]GGGCGCGGTGGCTCACGCCTGTAATCCCAGCACTTTGGGAGGCTGAGGCGGGTGGATCAT-3'